The following is an entry in ClinVar:

NM_004329.3(BMPR1A):c.1539A>G (p.Thr513=)

Gene: BMPR1A (bone morphogenetic protein receptor type 1A; plus strand). Cytogenetic location: 10q23.2.
Variant type: single nucleotide variant.
Coding change: c.1539A>G on transcript NM_004329.3 (MANE Select); coding-DNA position 1539, A replaced by G.
Protein change: p.Thr513=; no amino-acid change (threonine 513 retained).
Molecular consequence: synonymous variant. On other transcripts: non-coding transcript variant (3).
Genome position (GRCh38, 1-based): chr10:86,923,659, A>G. VCF-style: chr10-86923659-A-G. GRCh37 (hg19) VCF-style: chr10-88683416-A-G.
Other names: c.1614A>G, p.Thr538= (NM_001406559.1); c.1587A>G, p.Thr529= (NM_001406560.1); c.1539A>G, p.Thr513= (NM_001406561.1, NM_001406562.1, NM_001406563.1 and 19 more transcripts); c.1533A>G, p.Thr511= (NM_001406583.1); c.1455A>G, p.Thr485= (NM_001406584.1, NM_001406585.1, NM_001406586.1 and 2 more transcripts); c.1197A>G, p.Thr399= (NM_001406589.1).
Identifiers: ClinVar variation 2099567 (VCV002099567.6), dbSNP rs780244868, ClinGen allele CA470308863.

ClinVar aggregate classification (germline): Benign/Likely benign. Review status: criteria provided, multiple submitters, no conflicts (2 of 4 stars). 3 submissions from 3 submitters: Benign (1); Likely benign (2). Last evaluated 2025-05-11.

Conditions:
Hereditary cancer-predisposing syndrome. Also called: Hereditary Cancer Syndrome; Tumor predisposition; Neoplastic Syndromes, Hereditary; Hereditary neoplastic syndrome. Identifiers: Orphanet 140162, MedGen C0027672, MeSH D009386, MONDO:0015356.
Juvenile polyposis syndrome (JPS). Identifiers: Orphanet 2929, MedGen C0345893, MONDO:0017380, OMIM 174900.

Submissions (3):

Ambry Genetics
Classification: Likely benign for Hereditary cancer-predisposing syndrome. Last evaluated: 2025-05-11. Review status: criteria provided, single submitter. Criteria: Ambry Variant Classification Scheme 2023. Collection method: clinical testing. Allele origin: germline.

Myriad Genetics, Inc.
Classification: Benign for Juvenile polyposis syndrome. Last evaluated: 2024-08-08. Review status: criteria provided, single submitter. Criteria: Myriad Autosomal Dominant, Autosomal Recessive and X-Linked Classification Criteria (2023). Collection method: clinical testing. Allele origin: unknown.
Comment: This variant is considered benign. This variant is a silent/synonymous amino acid change and it is not expected to impact splicing.

Labcorp Genetics (formerly Invitae), Labcorp
Classification: Likely benign for Juvenile polyposis syndrome. Last evaluated: 2022-03-27. Review status: criteria provided, single submitter. Criteria: Invitae Variant Classification Sherloc (09022015). Collection method: clinical testing. Allele origin: germline.